The following is an entry in ClinVar:

ClinVar aggregate classification (germline): Uncertain significance (1 of 4 stars; one submission).

Conditions:
Severe combined immunodeficiency, autosomal recessive, T cell-negative, B cell-negative, NK cell-negative, due to adenosine deaminase deficiency. Also called: ADA-SCID; ADA deficiency; Adenosine deaminase deficient severe combined immunodeficiency; Severe combined immunodeficiency due to ADA deficiency; SCID DUE TO ADA DEFICIENCY; SCID DUE TO ADA DEFICIENCY, EARLY-ONSET. Identifiers: Orphanet 277, MedGen C0392607, MONDO:0007064, OMIM 102700.

Submission:

Labcorp Genetics (formerly Invitae), Labcorp
Classification: Uncertain significance for Severe combined immunodeficiency, autosomal recessive, T cell-negative, B cell-negative, NK cell-negative, due to adenosine deaminase deficiency. Last evaluated: 2021-04-29. Review status: criteria provided, single submitter. Criteria: Invitae Variant Classification Sherloc (09022015). Collection method: clinical testing. Allele origin: germline.
Comment: This sequence change results in a frameshift in the ADA gene (p.Tyr348Serfs*). While this is not anticipated to result in nonsense mediated decay, it is expected to disrupt the last 16 amino acid(s) of the ADA protein and extend the protein by 105 additional amino acid residues. This variant is not present in population databases (ExAC no frequency). This variant has not been reported in the literature in individuals with ADA-related conditions. Experimental studies and prediction algorithms are not available or were not evaluated, and the functional significance of this variant is currently unknown. In summary, the available evidence is currently insufficient to determine the role of this variant in disease. Therefore, it has been classified as a Variant of Uncertain Significance.

NM_000022.4(ADA):c.1040_1041insAT (p.Tyr348fs)

Gene: ADA (adenosine deaminase; minus strand). Cytogenetic location: 20q13.12.
Variant type: Insertion.
Coding change: c.1040_1041insAT on transcript NM_000022.4 (MANE Select); coding-DNA positions 1040 to 1041, AT inserted.
Protein change: p.Tyr348fs; shifts the reading frame from tyrosine 348.
Molecular consequence: frameshift variant. On other transcripts: non-coding transcript variant (1).
Genome position: GRCh38 VCF-style: chr20-44620336-G-GAT. GRCh37 (hg19) VCF-style: chr20-43248977-G-GAT.
Other names: c.635_636insAT, p.Tyr213fs (NM_001322050.2); c.968_969insAT, p.Tyr324fs (NM_001322051.2); short protein forms Y213fs, Y348fs, Y324fs.
Identifiers: ClinVar variation 1349841 (VCV001349841.6), dbSNP rs2123507789, ClinGen allele CA2573157137.
Genomic context (GRCh38, chr20:44,620,336, plus strand): 5'-CAGAAGCCCAGACAGGAACCTACCTGCAGAGGCTGAAGGTGGCATCCCATAGGCTTTATA[G>GAT]AGCAGGTCGAGAAGCTCCCTCTTTTCATCTTCTGGGAGGAAACTAGATTTGGCCGCATTG-3'